The following is an entry in ClinVar:

NM_001290060.2(SEMA3B):c.2005G>A (p.Glu669Lys)

Gene: SEMA3B (semaphorin 3B; plus strand). Cytogenetic location: 3p21.31.
Variant type: single nucleotide variant.
Coding change: c.2005G>A on transcript NM_001290060.2 (MANE Select); coding-DNA position 2005, G replaced by A.
Protein change: p.Glu669Lys; replaces glutamic acid 669 with lysine.
Molecular consequence: missense variant. On other transcripts: non-coding transcript variant (1).
Genome position (GRCh38, 1-based): chr3:50,276,461, G>A. VCF-style: chr3-50276461-G-A. GRCh37 (hg19) VCF-style: chr3-50313892-G-A.
Other names: c.2002G>A, p.Glu668Lys (NM_001005914.3, NM_001435957.1, NM_001435958.1); c.2020G>A, p.Glu674Lys (NM_001290061.1); c.976G>A, p.Glu326Lys (NM_001290062.2, NM_001290063.2); c.2005G>A, p.Glu669Lys (NM_001435956.1, NM_004636.4); short protein forms E668K, E326K, E669K, E674K.
Identifiers: ClinVar variation 4986559 (VCV004986559.1).
Genomic context (GRCh38, chr3:50,276,461, plus strand): 5'-CAGGGCTTTACGCAACCGCTGCGTCGCCTGTCGCTGCACGTGTTGAGTGCTACGCAGGCC[G>A]AACGACTGGCGCGGGCCGAGGAGGCTGCGCCCGCCGCGCCGCCGGGCCCCAAACTCTGGT-3'
Protein context (NP_001276989.1, residues 659-679): SLHVLSATQA[Glu669Lys]RLARAEEAAP

ClinVar aggregate classification (germline): Uncertain significance (1 of 4 stars; one submission).

Conditions:
SEMA3B-related disorder. Also called: SEMA3B-related condition.

Submission:

PreventionGenetics, part of Exact Sciences
Classification: Uncertain significance for SEMA3B-related condition. Last evaluated: 2025-07-10. Review status: criteria provided, single submitter. Criteria: ACMG Guidelines, 2015. Collection method: clinical testing. Allele origin: germline.
Comment: The SEMA3B c.2020G>A variant is predicted to result in the amino acid substitution p.Glu674Lys. To our knowledge, this variant has not been reported in the literature or in a large population database (gnomAD), indicating this variant is rare. At this time, the clinical significance of this variant is uncertain due to the absence of conclusive functional and genetic evidence.